The following is an entry in ClinVar:

ClinVar aggregate classification (germline): Uncertain significance (1 of 4 stars; one submission).

Submission:

CeGaT Center for Human Genetics Tuebingen
Classification: Uncertain significance. Last evaluated: 2025-03-01. Review status: criteria provided, single submitter. Criteria: CeGaT Center For Human Genetics Tuebingen Variant Classification Criteria Version 2. Collection method: clinical testing. Allele origin: germline. Affected: yes. Observed: 1 variant allele.
Comment: AMH: PM2, PP3

NM_000479.5(AMH):c.850C>T (p.Pro284Ser)

Gene: AMH (anti-Mullerian hormone; plus strand). Cytogenetic location: 19p13.3.
Variant type: single nucleotide variant.
Coding change: c.850C>T on transcript NM_000479.5 (MANE Select); coding-DNA position 850, C replaced by T.
Protein change: p.Pro284Ser; replaces proline 284 with serine.
Molecular consequence: missense variant.
Genome position (GRCh38, 1-based): chr19:2,251,124, C>T. VCF-style: chr19-2251124-C-T. GRCh37 (hg19) VCF-style: chr19-2251123-C-T.
Other names: short protein forms P284S.
Identifiers: ClinVar variation 3778233 (VCV003778233.7).
Genomic context (GRCh38, chr19:2,251,124, plus strand): 5'-TGGCCGCTCTCAACTCCTCCAATTGCGGGTTCCAGGCCATCCGCGGAACTCGAGGAGTCG[C>T]CACCCAGCGCAGACCCCTTCCTGGAGACGCTCACGCGCCTGGTGCGGGCGCTGCGGGTCC-3'
Protein context (NP_000470.3, residues 274-294): PRPSAELEES[Pro284Ser]PSADPFLETL